The following is an entry in ClinVar:

NM_012158.4(FBXL3):c.644-9dup

Gene: FBXL3 (F-box and leucine rich repeat protein 3; minus strand). Cytogenetic location: 13q22.3.
Variant type: Duplication.
Coding change: c.644-9dup on transcript NM_012158.4 (MANE Select); 9 bases into the intron before coding-DNA position 644, one base duplicated (T; older notation c.644-9dupT).
Molecular consequence: intron variant.
Genome position (GRCh38, 1-based): chr13:77,007,797, A duplicated on the plus strand (T on the coding strand, the reverse complement: FBXL3 is on the minus strand); the first of 10 consecutive A bases (chr13:77,007,797-77,007,806); duplicating any one gives the same sequence. VCF-style (leftmost placement, unchanged base first): chr13-77007796-G-GA. GRCh37 (hg19) VCF-style: chr13-77581931-G-GA.
Identifiers: ClinVar variation 3042007 (VCV003042007.2), dbSNP rs757276072, ClinGen allele CA7007377.

ClinVar aggregate classification (germline): Likely benign (0 of 4 stars; one submission).

Conditions:
FBXL3-related disorder. Also called: FBXL3-related condition.

Submission:

PreventionGenetics, part of Exact Sciences
Classification: Likely benign for FBXL3-related condition. Last evaluated: 2019-10-30. Review status: no assertion criteria provided. Collection method: clinical testing. Allele origin: germline.
Comment: This variant is classified as likely benign based on ACMG/AMP sequence variant interpretation guidelines (Richards et al. 2015 PMID: 25741868, with internal and published modifications).